The following is an entry in ClinVar:

ClinVar aggregate classification (germline): Likely benign. Review status: criteria provided, single submitter (1 of 4 stars). 2 submissions from 2 submitters: Likely benign (1). 1 of the submissions does not count toward it. Last evaluated 2024-02-23.

Conditions:
Joubert syndrome 21 (JBTS21). Identifiers: MedGen C3810212, MONDO:0014288, OMIM 615636.
CSPP1-related disorder. Also called: CSPP1-related condition.

Allele frequency attached by ClinVar (database versions not stated): TOPMed 0.00002; gnomAD exomes 0.00001; gnomAD 0.00001.
gnomAD v4.1: 20 of 1,613,976 alleles (0.0012%); highest among the groups gnomAD compares: South Asian, 0.0022%; no homozygotes.

Submissions (2):

Labcorp Genetics (formerly Invitae), Labcorp
Classification: Likely benign for Joubert syndrome 21. Last evaluated: 2024-02-23. Review status: criteria provided, single submitter. Criteria: Invitae Variant Classification Sherloc (09022015). Collection method: clinical testing. Allele origin: germline.

PreventionGenetics, part of Exact Sciences
Classification: Likely benign for CSPP1-related condition. Last evaluated: 2019-06-20. Review status: no assertion criteria provided. Collection method: clinical testing. Allele origin: germline. Not counted in ClinVar's aggregate classification.
Comment: This variant is classified as likely benign based on ACMG/AMP sequence variant interpretation guidelines (Richards et al. 2015 PMID: 25741868, with internal and published modifications).

NM_001382391.1(CSPP1):c.3258C>T (p.Asp1086=)

Genes: ARFGEF1 (ARF guanine nucleotide exchange factor 1; minus strand), CSPP1 (centrosome and spindle pole associated protein 1; plus strand). Cytogenetic location: 8q13.2.
Variant type: single nucleotide variant.
Coding change: c.3258C>T on transcript NM_001382391.1 (MANE Select); coding-DNA position 3258, C replaced by T.
Protein change: p.Asp1086=; no amino-acid change (aspartic acid 1086 retained).
Molecular consequence: synonymous variant. On other transcripts: intron variant (2).
Genome position (GRCh38, 1-based): chr8:67,190,687, C>T. VCF-style: chr8-67190687-C-T. GRCh37 (hg19) VCF-style: chr8-68102922-C-T.
Other names: c.2208C>T, p.Asp736= (NM_001291339.2); c.3177C>T, p.Asp1059= (NM_001363131.2); c.3063C>T, p.Asp1021= (NM_001363132.2); c.2982C>T, p.Asp994= (NM_001363133.2); c.3324C>T, p.Asp1108= (NM_001364869.1); c.3144C>T, p.Asp1048= (NM_001364870.1); c.3090C>T, p.Asp1030= (NM_001438330.1); c.3243C>T, p.Asp1081= (NM_001438331.1, NM_024790.7); and 3 more.
Identifiers: ClinVar variation 1109201 (VCV001109201.10), dbSNP rs769247285, ClinGen allele CA178215699.